The following is an entry in ClinVar:

NM_000557.5(GDF5):c.1313_1314delinsTT (p.Arg438Leu)

Genes: GDF5 (growth differentiation factor 5; minus strand), GDF5-AS1 (GDF5 antisense RNA 1; plus strand). Cytogenetic location: 20q11.22.
Variant type: Indel.
Coding change: c.1313_1314delinsTT on transcript NM_000557.5 (MANE Select); coding-DNA positions 1313 to 1314, GC replaced by TT.
Protein change: p.Arg438Leu; replaces arginine 438 with leucine.
Molecular consequence: missense variant. On other transcripts: non-coding transcript variant (1).
Genome position (GRCh38, 1-based): chr20:35,434,101-35,434,102, GC replaced by AA on the plus strand (GC replaced by TT on the coding strand, the reverse complement: GDF5 is on the minus strand). VCF-style: chr20-35434101-GC-AA. GRCh37 (hg19) VCF-style: chr20-34021899-GC-AA.
Other names: c.1313_1314delinsTT, p.Arg438Leu (NM_001319138.2); short protein forms R438L.
Identifiers: ClinVar variation 1450722 (VCV001450722.6), dbSNP rs2146578516, ClinGen allele CA2573157055.

ClinVar aggregate classification (germline): Pathogenic (1 of 4 stars; one submission).

Submission:

Labcorp Genetics (formerly Invitae), Labcorp
Classification: Pathogenic. Last evaluated: 2022-11-01. Review status: criteria provided, single submitter. Criteria: Invitae Variant Classification Sherloc (09022015). Collection method: clinical testing. Allele origin: germline.
Comment: This sequence change replaces arginine with leucine at codon 438 of the GDF5 protein (p.Arg438Leu). The arginine residue is highly conserved and there is a moderate physicochemical difference between arginine and leucine. Information on the frequency of this variant in the gnomAD database is not available, as this variant may be reported differently in the database. This missense change has been observed in individuals with symphalangism (PMID: 16127465, 16532400, 28032038). It has also been observed to segregate with disease in related individuals. ClinVar contains an entry for this variant (Variation ID: 1450722). Algorithms developed to predict the effect of missense changes on protein structure and function are either unavailable or do not agree on the potential impact of this missense change (SIFT: "Not Available"; PolyPhen-2: "Possibly Damaging"; Align-GVGD: "Not Available"). Experimental studies have shown that this missense change affects GDF5 function (PMID: 16127465). For these reasons, this variant has been classified as Pathogenic.

Literature cited by the submitters: PubMed 16127465; PubMed 16532400; PubMed 28032038.